The following is an entry in ClinVar:

ClinVar aggregate classification (germline): Conflicting classifications of pathogenicity. Review status: criteria provided, conflicting classifications (1 of 4 stars). 4 submissions from 4 submitters: Uncertain significance (3); Likely benign (1). Last evaluated 2026-01-28.

Conditions:
Episodic kinesigenic dyskinesia (EKD). Also called: Paroxysmal kinesigenic dyskinesia. Identifiers: Orphanet 98809, MedGen C1868682, MONDO:0044202.
Inborn genetic diseases. Identifiers: MedGen C0950123, MeSH D030342.
Episodic kinesigenic dyskinesia 1 (EKD1). Also called: PAROXYSMAL KINESIGENIC CHOREOATHETOSIS; PxMD-PRRT2; PRRT2-Related Paroxysmal Kinesigenic Dyskinesia (PKD); DYSTONIA, FAMILIAL PAROXYSMAL; Dystonia 10. Identifiers: Orphanet 98809, MedGen C4552000, MONDO:0100352, OMIM 128200, MONDO:0007494.
Seizures, benign familial infantile, 2 (BFIS2). Also called: CONVULSIONS, BENIGN FAMILIAL INFANTILE, 2. Identifiers: Orphanet 306, MedGen C1853995, MONDO:0011593, OMIM 605751.
Infantile convulsions and choreoathetosis (ICCA). Also called: PAROXYSMAL KINESIGENIC DYSKINESIA WITH INFANTILE CONVULSIONS; PRRT2-Related Paroxysmal Kinesigenic Dyskinesia with Infantile Convulsions (PKD/IC). Identifiers: Orphanet 31709, MedGen C1865926, MONDO:0011178, OMIM 602066.

Allele frequency attached by ClinVar (database versions not stated): gnomAD exomes 0.00002; 1000 Genomes Project 30x 0.00016; gnomAD 0.00003; TOPMed 0.00007; 1000 Genomes Project 0.00020.
gnomAD v4.1: 23 of 1,613,258 alleles (0.0014%); highest among the groups gnomAD compares: Admixed American, 0.015%; no homozygotes.

Submissions (4):

Labcorp Genetics (formerly Invitae), Labcorp
Classification: Uncertain significance for Episodic kinesigenic dyskinesia. Last evaluated: 2026-01-28. Review status: criteria provided, single submitter. Criteria: Invitae Variant Classification Sherloc (09022015). Collection method: clinical testing. Allele origin: germline.
Comment: This sequence change replaces arginine, which is basic and polar, with glutamine, which is neutral and polar, at codon 145 of the PRRT2 protein (p.Arg145Gln). This variant is present in population databases (rs200877676, gnomAD 0.006%). This variant has not been reported in the literature in individuals affected with PRRT2-related conditions. ClinVar contains an entry for this variant (Variation ID: 568591). Invitae Evidence Modeling of protein sequence and biophysical properties (such as structural, functional, and spatial information, amino acid conservation, physicochemical variation, residue mobility, and thermodynamic stability) indicates that this missense variant is not expected to disrupt PRRT2 protein function with a negative predictive value of 95%. In summary, the available evidence is currently insufficient to determine the role of this variant in disease. Therefore, it has been classified as a Variant of Uncertain Significance.

Women's Health and Genetics/Laboratory Corporation of America, LabCorp
Classification: Uncertain significance. Last evaluated: 2024-04-09. Review status: criteria provided, single submitter. Criteria: LabCorp Variant Classification Summary - May 2015. Collection method: clinical testing. Allele origin: germline.
Comment: Variant summary: PRRT2 c.434G>A (p.Arg145Gln) results in a conservative amino acid change in the encoded protein sequence. Four of four in-silico tools predict a benign effect of the variant on protein function. The variant allele was found at a frequency of 2e-05 in 250096 control chromosomes. The available data on variant occurrences in the general population are insufficient to allow any conclusion about variant significance. To our knowledge, no occurrence of c.434G>A in individuals affected with Episodic Kinesigenic Dyskinesia 1 and no experimental evidence demonstrating its impact on protein function have been reported. ClinVar contains an entry for this variant (Variation ID: 568591). Based on the evidence outlined above, the variant was classified as uncertain significance.

Ambry Genetics
Classification: Likely benign for Inborn genetic diseases. Last evaluated: 2022-11-08. Review status: criteria provided, single submitter. Criteria: Ambry Variant Classification Scheme 2023. Collection method: clinical testing. Allele origin: germline.

Fulgent Genetics
Classification: Uncertain significance for Episodic kinesigenic dyskinesia 1; Infantile convulsions and choreoathetosis; Seizures, benign familial infantile, 2. Last evaluated: 2022-02-08. Review status: criteria provided, single submitter. Criteria: ACMG Guidelines, 2015. Collection method: clinical testing. Allele origin: unknown.

NM_145239.3(PRRT2):c.434G>A (p.Arg145Gln)

Genes: MVP-DT (MVP divergent transcript; minus strand), PRRT2 (proline rich transmembrane protein 2; plus strand). Cytogenetic location: 16p11.2.
Variant type: single nucleotide variant.
Coding change: c.434G>A on transcript NM_145239.3 (MANE Select); coding-DNA position 434, G replaced by A.
Protein change: p.Arg145Gln; replaces arginine 145 with glutamine.
Molecular consequence: missense variant.
Genome position (GRCh38, 1-based): chr16:29,813,488, G>A. VCF-style: chr16-29813488-G-A. GRCh37 (hg19) VCF-style: chr16-29824809-G-A.
Other names: c.434G>A, p.Arg145Gln (NM_001256442.2, NM_001256443.2); short protein forms R145Q.
Identifiers: ClinVar variation 568591 (VCV000568591.15), dbSNP rs200877676, ClinGen allele CA280409599.